The following is an entry in ClinVar:

ClinVar aggregate classification (germline): Pathogenic (1 of 4 stars; one submission).

Submission:

Athena Diagnostics
Classification: Pathogenic. Last evaluated: 2021-04-14. Review status: criteria provided, single submitter. Criteria: Athena Diagnostics criteria. Collection method: clinical testing. Allele origin: unknown.
Comment: This variant is expected to result in the loss of a functional protein. This variant has not been reported in large, multi-ethnic general populations. This variant has been identified in at least one individual with clinical features associated with this gene.

NM_001009944.3(PKD1):c.11930dup (p.Asp3978fs)

Gene: PKD1 (polycystin 1, transient receptor potential channel interacting; minus strand). Cytogenetic location: 16p13.3.
Variant type: Duplication.
Coding change: c.11930dup on transcript NM_001009944.3 (MANE Select); coding-DNA position 11930, one base duplicated (T; older notation c.11930dupT).
Protein change: p.Asp3978fs; shifts the reading frame from aspartic acid 3978.
Molecular consequence: frameshift variant.
Genome position (GRCh38, 1-based): chr16:2,090,957, A duplicated on the plus strand (T on the coding strand, the reverse complement: PKD1 is on the minus strand); the first of 2 consecutive A bases (chr16:2,090,957-2,090,958); duplicating either gives the same sequence. VCF-style (leftmost placement, unchanged base first): chr16-2090956-G-GA. GRCh37 (hg19) VCF-style: chr16-2140957-G-GA.
Other names: c.11927dup, p.Asp3977fs (NM_000296.4); short protein forms D3977fs, D3978fs.
Identifiers: ClinVar variation 1256437 (VCV001256437.1), dbSNP rs2151686766, ClinGen allele CA2499223361.